The following is an entry in ClinVar:

ClinVar aggregate classification (germline): Uncertain significance (1 of 4 stars; one submission).

Conditions:
SLC9A6-related disorder. Also called: SLC9A6-related condition.

Submission:

PreventionGenetics, part of Exact Sciences
Classification: Uncertain significance for SLC9A6-related condition. Last evaluated: 2026-09-22. Review status: criteria provided, single submitter. Criteria: ACMG Guidelines, 2015. Collection method: clinical testing. Allele origin: germline.
Comment: The SLC9A6 c.883T>G variant is predicted to result in the amino acid substitution p.Phe295Val. To our knowledge, this variant has not been reported in the literature or in a large population database (gnomAD), indicating it is rare. At this time, the clinical significance of this variant is uncertain due to the absence of conclusive functional and genetic evidence.

NM_001379110.1(SLC9A6):c.823T>G (p.Phe275Val)

Gene: SLC9A6 (solute carrier family 9 member A6; plus strand). Cytogenetic location: Xq26.3.
Variant type: single nucleotide variant.
Coding change: c.823T>G on transcript NM_001379110.1 (MANE Select); coding-DNA position 823, T replaced by G.
Protein change: p.Phe275Val; replaces phenylalanine 275 with valine.
Molecular consequence: missense variant.
Genome position (GRCh38, 1-based): chrX:136,010,521, T>G. VCF-style: chrX-136010521-T-G. GRCh37 (hg19) VCF-style: chrX-135092680-T-G.
Other names: c.979T>G, p.Phe327Val (NM_001042537.2, NM_001438742.1); c.823T>G, p.Phe275Val (NM_001177651.2, NM_001400909.1, NM_001400910.1 and 2 more transcripts); c.727T>G, p.Phe243Val (NM_001330652.2, NM_001400913.1); c.883T>G, p.Phe295Val (NM_006359.3); short protein forms F275V, F243V, F327V, F295V.
Identifiers: ClinVar variation 4993166 (VCV004993166.1).